The following is an entry in ClinVar:

NM_032436.4(CHAMP1):c.2261A>T (p.Lys754Ile)

Gene: CHAMP1 (chromosome alignment maintaining phosphoprotein 1; plus strand). Cytogenetic location: 13q34.
Variant type: single nucleotide variant.
Coding change: c.2261A>T on transcript NM_032436.4 (MANE Select); coding-DNA position 2261, A replaced by T.
Protein change: p.Lys754Ile; replaces lysine 754 with isoleucine.
Molecular consequence: missense variant.
Genome position (GRCh38, 1-based): chr13:114,326,103, A>T. VCF-style: chr13-114326103-A-T. GRCh37 (hg19) VCF-style: chr13-115091578-A-T.
Other names: c.2261A>T, p.Lys754Ile (NM_001164144.3, NM_001164145.3); short protein forms K754I.
Identifiers: ClinVar variation 4075735 (VCV004075735.1).

ClinVar aggregate classification (germline): Uncertain significance (1 of 4 stars; one submission).

Submission:

GeneDx
Classification: Uncertain significance. Last evaluated: 2025-02-18. Review status: criteria provided, single submitter. Criteria: GeneDx Variant Classification Process June 2021. Collection method: clinical testing. Allele origin: germline. Affected: yes.
Comment: Not observed at significant frequency in large population cohorts (gnomAD); In silico analysis supports that this missense variant has a deleterious effect on protein structure/function; Has not been previously published as pathogenic or benign to our knowledge